The following is an entry in ClinVar:

NM_032861.4(SERAC1):c.1155A>G (p.Gln385=)

Gene: SERAC1 (serine active site containing 1; minus strand). Cytogenetic location: 6q25.3.
Variant type: single nucleotide variant.
Coding change: c.1155A>G on transcript NM_032861.4 (MANE Select); coding-DNA position 1155, A replaced by G.
Protein change: p.Gln385=; no amino-acid change (glutamine 385 retained).
Molecular consequence: synonymous variant. On other transcripts: non-coding transcript variant (1).
Genome position (GRCh38, 1-based): chr6:158,120,436, T>C on the plus strand (A>G on the coding strand, the complement: SERAC1 is on the minus strand). VCF-style: chr6-158120436-T-C. GRCh37 (hg19) VCF-style: chr6-158541468-T-C.
Other names: p.Gln385=.
Identifiers: ClinVar variation 379679 (VCV000379679.37), dbSNP rs116173262, ClinGen allele CA4071185.

ClinVar aggregate classification (germline): Benign/Likely benign. Review status: criteria provided, multiple submitters, no conflicts (2 of 4 stars). 6 submissions from 6 submitters: Benign (4); Likely benign (2). Last evaluated 2025-12-20.

Conditions:
3-methylglutaconic aciduria with deafness, encephalopathy, and Leigh-like syndrome (MEGDEL). Also called: MEGDEL syndrome; SERAC1 Deficiency; 3-METHYLGLUTACONIC ACIDURIA, TYPE VI. Identifiers: Orphanet 352328, MedGen C4040739, MONDO:0013875, OMIM 614739.

Allele frequency attached by ClinVar (database versions not stated): gnomAD exomes 0.00039 and 0.00099; ExAC 0.00135; gnomAD 0.00396 and 0.00410; TOPMed 0.00438; ESP Exome Variant Server 0.00523; 1000 Genomes Project 30x 0.00562; 1000 Genomes Project 0.00599.
gnomAD v4.1: 1,198 of 1,611,986 alleles (0.074%); highest among the groups gnomAD compares: African/African-American, 1.4%; 7 homozygotes.

Submissions (6):

Labcorp Genetics (formerly Invitae), Labcorp
Classification: Benign for 3-methylglutaconic aciduria with deafness, encephalopathy, and Leigh-like syndrome. Last evaluated: 2025-12-20. Review status: criteria provided, single submitter. Criteria: Invitae Variant Classification Sherloc (09022015). Collection method: clinical testing. Allele origin: germline.

CeGaT Center for Human Genetics Tuebingen
Classification: Likely benign. Last evaluated: 2025-12-01. Review status: criteria provided, single submitter. Criteria: CeGaT Center For Human Genetics Tuebingen Variant Classification Criteria Version 2. Collection method: clinical testing. Allele origin: germline. Affected: yes. Observed: 2 variant alleles.
Comment: SERAC1: BP4, BS1

Genome-Nilou Lab
Classification: Benign for 3-methylglutaconic aciduria with deafness, encephalopathy, and Leigh-like syndrome. Last evaluated: 2022-03-15. Review status: criteria provided, single submitter. Criteria: ACMG Guidelines, 2015. Collection method: clinical testing. Allele origin: germline. Affected: no.

Fulgent Genetics
Classification: Likely benign for 3-methylglutaconic aciduria with deafness, encephalopathy, and Leigh-like syndrome. Last evaluated: 2021-10-08. Review status: criteria provided, single submitter. Criteria: ACMG Guidelines, 2015. Collection method: clinical testing. Allele origin: unknown.

Mayo Clinic Laboratories, Mayo Clinic
Classification: Benign. Last evaluated: 2021-01-07. Review status: criteria provided, single submitter. Criteria: ACMG Guidelines, 2015. Collection method: clinical testing. Allele origin: germline. Observed: 4 variant alleles.

GeneDx
Classification: Benign. Last evaluated: 2015-06-09. Review status: criteria provided, single submitter. Criteria: GeneDx Variant Classification (06012015). Collection method: clinical testing. Allele origin: germline. Affected: yes.
Comment: This variant is considered likely benign or benign based on one or more of the following criteria: it is a conservative change, it occurs at a poorly conserved position in the protein, it is predicted to be benign by multiple in silico algorithms, and/or has population frequency not consistent with disease.